The following is an entry in ClinVar:

ClinVar aggregate classification (germline): Uncertain significance. Review status: criteria provided, multiple submitters, no conflicts (2 of 4 stars). 3 submissions from 3 submitters: Uncertain significance (3). Last evaluated 2024-10-02.

Conditions:
Nephronophthisis. Also called: Juvenile Nephronophthisis. Identifiers: Orphanet 655, MedGen C0687120, MONDO:0019005, HP:0000090.
Infantile nephronophthisis (NPHP2). Also called: Nephronophthisis 2, infantile; Nephronophthisis 2. Identifiers: Orphanet 655, Orphanet 93591, MedGen C1865872, MONDO:0011190, OMIM 602088.

Allele frequency attached by ClinVar (database versions not stated): ExAC 0.00001; gnomAD 0.00001; gnomAD exomes 0.00001; TOPMed 0.00001.
gnomAD v4.1: 17 of 1,613,672 alleles (0.0011%); highest among the groups gnomAD compares: Admixed American, 0.0033%; no homozygotes.

Submissions (3):

Women's Health and Genetics/Laboratory Corporation of America, LabCorp
Classification: Uncertain significance. Last evaluated: 2024-10-02. Review status: criteria provided, single submitter. Criteria: LabCorp Variant Classification Summary - May 2015. Collection method: clinical testing. Allele origin: germline.
Comment: Variant summary: INVS c.2035G>T (p.Asp679Tyr) results in a non-conservative amino acid change in the encoded protein sequence. Three of five in-silico tools predict a damaging effect of the variant on protein function. The variant allele was found at a frequency of 1.2e-05 in 248570 control chromosomes. The available data on variant occurrences in the general population are insufficient to allow any conclusion about variant significance. To our knowledge, no occurrence of c.2035G>T in individuals affected with Infantile Nephronophthisis and no experimental evidence demonstrating its impact on protein function have been reported. ClinVar contains an entry for this variant (Variation ID: 1062732). Based on the evidence outlined above, the variant was classified as uncertain significance.

Fulgent Genetics
Classification: Uncertain significance for Infantile nephronophthisis. Last evaluated: 2024-05-24. Review status: criteria provided, single submitter. Criteria: ACMG Guidelines, 2015. Collection method: clinical testing. Allele origin: germline.

Labcorp Genetics (formerly Invitae), Labcorp
Classification: Uncertain significance for Nephronophthisis. Last evaluated: 2021-09-02. Review status: criteria provided, single submitter. Criteria: Invitae Variant Classification Sherloc (09022015). Collection method: clinical testing. Allele origin: germline.
Comment: This sequence change replaces aspartic acid with tyrosine at codon 679 of the INVS protein (p.Asp679Tyr). The aspartic acid residue is moderately conserved and there is a large physicochemical difference between aspartic acid and tyrosine. This variant is present in population databases (rs751056550, ExAC 0.009%). This variant has not been reported in the literature in individuals affected with INVS-related conditions. Algorithms developed to predict the effect of missense changes on protein structure and function are either unavailable or do not agree on the potential impact of this missense change (SIFT: "Deleterious"; PolyPhen-2: "Possibly Damaging"; Align-GVGD: "Class C15"). In summary, the available evidence is currently insufficient to determine the role of this variant in disease. Therefore, it has been classified as a Variant of Uncertain Significance.

NM_014425.5(INVS):c.2035G>T (p.Asp679Tyr)

Gene: INVS (inversin; plus strand). Cytogenetic location: 9q31.1.
Variant type: single nucleotide variant.
Coding change: c.2035G>T on transcript NM_014425.5 (MANE Select); coding-DNA position 2035, G replaced by T.
Protein change: p.Asp679Tyr; replaces aspartic acid 679 with tyrosine.
Molecular consequence: missense variant. On other transcripts: non-coding transcript variant (1).
Genome position (GRCh38, 1-based): chr9:100,284,570, G>T. VCF-style: chr9-100284570-G-T. GRCh37 (hg19) VCF-style: chr9-103046852-G-T.
Other names: c.1747G>T, p.Asp583Tyr (NM_001318381.2); c.1057G>T, p.Asp353Tyr (NM_001318382.2); short protein forms D353Y, D583Y, D679Y.
Identifiers: ClinVar variation 1062732 (VCV001062732.8), dbSNP rs751056550, ClinGen allele CA5158535.